The following is an entry in ClinVar:

NM_024408.4(NOTCH2):c.5398C>T (p.Arg1800Cys)

Gene: NOTCH2 (notch receptor 2; minus strand). Cytogenetic location: 1p12.
Variant type: single nucleotide variant.
Coding change: c.5398C>T on transcript NM_024408.4 (MANE Select); coding-DNA position 5398, C replaced by T.
Protein change: p.Arg1800Cys; replaces arginine 1800 with cysteine.
Molecular consequence: missense variant.
Genome position (GRCh38, 1-based): chr1:119,920,310, G>A on the plus strand (C>T on the coding strand, the complement: NOTCH2 is on the minus strand). VCF-style: chr1-119920310-G-A. GRCh37 (hg19) VCF-style: chr1-120462933-G-A.
Other names: c.5398C>T (NM_024408.3); short protein forms R1800C.
Identifiers: ClinVar variation 1523901 (VCV001523901.11), dbSNP rs1450649026, ClinGen allele CA341885557.

ClinVar aggregate classification (germline): Uncertain significance. Review status: criteria provided, multiple submitters, no conflicts (2 of 4 stars). 4 submissions from 4 submitters: Uncertain significance (4). Last evaluated 2026-06-09.

Conditions:
Hajdu-Cheney syndrome (HJCYS). Also called: ACROOSTEOLYSIS WITH OSTEOPOROSIS AND CHANGES IN SKULL AND MANDIBLE; Acroosteolysis dominant type; SERPENTINE FIBULA-POLYCYSTIC KIDNEY SYNDROME. Identifiers: Orphanet 955, MedGen C0917715, MONDO:0007057, OMIM 102500.
NOTCH2-related disorder. Also called: NOTCH2-related condition.
Alagille syndrome due to a NOTCH2 point mutation. Also called: Alagille syndrome 2. Identifiers: Orphanet 261629, Orphanet 52, MedGen C1857761, MONDO:0012439, OMIM 610205.

Allele frequency attached by ClinVar (database versions not stated): gnomAD exomes 0.00001 and 0.00002; gnomAD 0.00003 and 0.00004; TOPMed 0.00003.
gnomAD v4.1: 22 of 1,614,046 alleles (0.0014%); highest among the groups gnomAD compares: Admixed American, 0.0033%; no homozygotes.

Submissions (4):

PreventionGenetics, part of Exact Sciences
Classification: Uncertain significance for NOTCH2-related condition. Last evaluated: 2026-06-09. Review status: criteria provided, single submitter. Criteria: ACMG Guidelines, 2015. Collection method: clinical testing. Allele origin: germline.
Comment: The NOTCH2 c.5398C>T variant is predicted to result in the amino acid substitution p.Arg1800Cys. To our knowledge, this variant has not been reported in the literature. This variant is reported in 0.0058% of alleles in individuals of Latino descent in gnomAD. At this time, the clinical significance of this variant is uncertain due to the absence of conclusive functional and genetic evidence.

Labcorp Genetics (formerly Invitae), Labcorp
Classification: Uncertain significance for Hajdu-Cheney syndrome. Last evaluated: 2025-09-10. Review status: criteria provided, single submitter. Criteria: Invitae Variant Classification Sherloc (09022015). Collection method: clinical testing. Allele origin: germline.
Comment: This sequence change replaces arginine, which is basic and polar, with cysteine, which is neutral and slightly polar, at codon 1800 of the NOTCH2 protein (p.Arg1800Cys). This variant is present in population databases (no rsID available, gnomAD 0.006%). This variant has not been reported in the literature in individuals affected with NOTCH2-related conditions. ClinVar contains an entry for this variant (Variation ID: 1523901). Invitae Evidence Modeling of protein sequence and biophysical properties (such as structural, functional, and spatial information, amino acid conservation, physicochemical variation, residue mobility, and thermodynamic stability) indicates that this missense variant is not expected to disrupt NOTCH2 protein function with a negative predictive value of 80%. In summary, the available evidence is currently insufficient to determine the role of this variant in disease. Therefore, it has been classified as a Variant of Uncertain Significance.

Dasa
Classification: Uncertain significance. Last evaluated: 2025-08-15. Review status: criteria provided, single submitter. Criteria: DASA Assertion Criteria. Collection method: clinical testing. Allele origin: germline.
Comment: NM_024408.4(NOTCH2):c.5398C>T (p.Arg1800Cys) is a missense variant that results in the substitution of arginine with cysteine. This variant is rare in population databases. The currently available literature and clinical evidence are not sufficient to establish a definitive association between this variant and the reported condition. Therefore, this variant is classified as a variant of uncertain significance.

Fulgent Genetics
Classification: Uncertain significance for Hajdu-Cheney syndrome; Alagille syndrome due to a NOTCH2 point mutation. Last evaluated: 2022-04-18. Review status: criteria provided, single submitter. Criteria: ACMG Guidelines, 2015. Collection method: clinical testing. Allele origin: unknown.